The following is an entry in ClinVar:

NM_004370.6(COL12A1):c.2891A>G (p.Asn964Ser)

Gene: COL12A1 (collagen type XII alpha 1 chain; minus strand). Cytogenetic location: 6q13.
Variant type: single nucleotide variant.
Coding change: c.2891A>G on transcript NM_004370.6 (MANE Select); coding-DNA position 2891, A replaced by G.
Protein change: p.Asn964Ser; replaces asparagine 964 with serine.
Molecular consequence: missense variant. On other transcripts: intron variant (1).
Genome position (GRCh38, 1-based): chr6:75,165,599, T>C on the plus strand (A>G on the coding strand, the complement: COL12A1 is on the minus strand). VCF-style: chr6-75165599-T-C. GRCh37 (hg19) VCF-style: chr6-75875315-T-C.
Other names: c.74-13117A>G (NM_080645.3); short protein forms N964S.
Identifiers: ClinVar variation 2015052 (VCV002015052.4), dbSNP rs2533469874, ClinGen allele CA364757867.

ClinVar aggregate classification (germline): Uncertain significance (1 of 4 stars; one submission).

Conditions:
Ullrich congenital muscular dystrophy 2 (UCMD2). Identifiers: Orphanet 75840, MedGen C4225314, MONDO:0014654, OMIM 616470.
Bethlem myopathy 2 (BTHLM2). Identifiers: Orphanet 536516, Orphanet 610, MedGen C4225313, MONDO:0034022, OMIM 616471.

Submission:

Labcorp Genetics (formerly Invitae), Labcorp
Classification: Uncertain significance for Bethlem myopathy 2; Ullrich congenital muscular dystrophy 2. Last evaluated: 2022-08-11. Review status: criteria provided, single submitter. Criteria: Invitae Variant Classification Sherloc (09022015). Collection method: clinical testing. Allele origin: germline.
Comment: In summary, the available evidence is currently insufficient to determine the role of this variant in disease. Therefore, it has been classified as a Variant of Uncertain Significance. Algorithms developed to predict the effect of missense changes on protein structure and function (SIFT, PolyPhen-2, Align-GVGD) all suggest that this variant is likely to be tolerated. This variant has not been reported in the literature in individuals affected with COL12A1-related conditions. This variant is not present in population databases (gnomAD no frequency). This sequence change replaces asparagine, which is neutral and polar, with serine, which is neutral and polar, at codon 964 of the COL12A1 protein (p.Asn964Ser).